The following is an entry in ClinVar:

ClinVar aggregate classification (germline): Uncertain significance. Review status: criteria provided, multiple submitters, no conflicts (2 of 4 stars). 2 submissions from 2 submitters: Uncertain significance (2). Last evaluated 2025-11-03.

Allele frequency attached by ClinVar (database versions not stated): gnomAD exomes 0.00007; ESP Exome Variant Server 0.00008; TOPMed 0.00008; ExAC 0.00009; 1000 Genomes Project 30x 0.00031; 1000 Genomes Project 0.00040.
gnomAD v4.1: 215 of 1,601,798 alleles (0.013%); highest among the groups gnomAD compares: Non-Finnish European, 0.017%; no homozygotes.

Submissions (2):

Labcorp Genetics (formerly Invitae), Labcorp
Classification: Uncertain significance. Last evaluated: 2025-11-03. Review status: criteria provided, single submitter. Criteria: Invitae Variant Classification Sherloc (09022015). Collection method: clinical testing. Allele origin: germline.
Comment: This sequence change replaces asparagine, which is neutral and polar, with lysine, which is basic and polar, at codon 885 of the GEN1 protein (p.Asn885Lys). This variant is present in population databases (rs190550780, gnomAD 0.01%). This variant has not been reported in the literature in individuals affected with GEN1-related conditions. ClinVar contains an entry for this variant (Variation ID: 956248). An algorithm developed to predict the effect of missense changes on protein structure and function (PolyPhen-2) suggests that this variant is likely to be tolerated. In summary, the available evidence is currently insufficient to determine the role of this variant in disease. Therefore, it has been classified as a Variant of Uncertain Significance.

Ambry Genetics
Classification: Uncertain significance. Last evaluated: 2025-08-11. Review status: criteria provided, single submitter. Criteria: Ambry Variant Classification Scheme 2023. Collection method: clinical testing. Allele origin: germline.

NM_001130009.3(GEN1):c.2655C>A (p.Asn885Lys)

Gene: GEN1 (GEN1 structure-specific endonuclease; plus strand). Cytogenetic location: 2p24.2.
Variant type: single nucleotide variant.
Coding change: c.2655C>A on transcript NM_001130009.3 (MANE Select); coding-DNA position 2655, C replaced by A.
Protein change: p.Asn885Lys; replaces asparagine 885 with lysine.
Molecular consequence: missense variant.
Genome position (GRCh38, 1-based): chr2:17,781,867, C>A. VCF-style: chr2-17781867-C-A. GRCh37 (hg19) VCF-style: chr2-17963134-C-A.
Other names: c.2655C>A, p.Asn885Lys (NM_182625.5); c.2655C>A (NM_001130009.1); short protein forms N885K.
Identifiers: ClinVar variation 956248 (VCV000956248.10), dbSNP rs190550780, ClinGen allele CA1541001.
Genomic context (GRCh38, chr2:17,781,867, plus strand): 5'-CTGTTTCCCAGATTCAACAAAAAGTTCTCTGAGTTCTCTACAATGTCATAAGAAAGAAAA[C>A]AACTCTGGTACTTGTTTGGATAGCCCTCTTCCTTTACGCCAGAGATTAAAACTAAGATTC-3'
Protein context (NP_001123481.3, residues 875-895): LSSLQCHKKE[Asn885Lys]NSGTCLDSPL